The following is an entry in ClinVar:

ClinVar aggregate classification (germline): Pathogenic (1 of 4 stars; one submission).

Conditions:
Fabry disease. Also called: ALPHA-GALACTOSIDASE A DEFICIENCY; ANDERSON-FABRY DISEASE; CERAMIDE TRIHEXOSIDASE DEFICIENCY; GLA DEFICIENCY; HEREDITARY DYSTOPIC LIPIDOSIS; Angiokeratoma corporis diffusum. Identifiers: Orphanet 324, MedGen C0002986, MONDO:0010526, OMIM 301500, HP:0001071. Disease mechanism: Fabry disease is due to inactivating mutations in the X-linked GLA gene resulting in deficiency of the enzyme Alpha Galactosidase-A., loss of function.

Submission:

Genomenon, Inc
Classification: Pathogenic for Fabry disease. Last evaluated: 2026-09-08. Review status: criteria provided, single submitter. Criteria: Genomenon Sequence Variant Interpretation Standards - Updated. Collection method: curation. Allele origin: germline. Affected: yes.
Comment: GLA p.Trp162Cys (c.486G>C) is a missense variant that changes the amino acid at codon 162 from Tryptophan to Cysteine. This variant has been observed in at least one proband with clinical features consistent with Fabry disease (PMID:32442237;21062768;8931708). At least one functional study has demonstrated a substantial alteration in protein function relative to the wild-type (PMID:27657681). This variant is located in a mutational hotspot and/or important functional domain. It is absent or not present at a significant frequency in gnomAD. In silico models predict that this variant is possibly or probably damaging. In conclusion, we classify GLA p.Trp162Cys (c.486G>C) as a pathogenic variant.

Literature cited by the submitters: PubMed 32442237; PubMed 21062768; PubMed 8931708; PubMed 27657681.

NM_000169.3(GLA):c.486G>C (p.Trp162Cys)

Genes: GLA (galactosidase alpha; minus strand), RPL36A-HNRNPH2 (RPL36A-HNRNPH2 readthrough; plus strand). Cytogenetic location: Xq22.1.
Variant type: single nucleotide variant.
Coding change: c.486G>C on transcript NM_000169.3 (MANE Select); coding-DNA position 486, G replaced by C.
Protein change: p.Trp162Cys; replaces tryptophan 162 with cysteine.
Molecular consequence: missense variant. On other transcripts: non-coding transcript variant (3), intron variant (2).
Genome position (GRCh38, 1-based): chrX:101,401,693, C>G on the plus strand (G>C on the coding strand, the complement: GLA is on the minus strand). VCF-style: chrX-101401693-C-G. GRCh37 (hg19) VCF-style: chrX-100656681-C-G.
Other names: c.609G>C, p.Trp203Cys (NM_001406747.1, NM_001406749.1); c.486G>C, p.Trp162Cys (NM_001406748.1); c.300+6236C>G (NM_001199973.2); c.177+9871C>G (NM_001199974.2); short protein forms W162C, W203C.
Identifiers: ClinVar variation 4087383 (VCV004087383.2), dbSNP rs869312311.